The following is an entry in ClinVar:

ClinVar aggregate classification (germline): Uncertain significance (1 of 4 stars; one submission).

Conditions:
Gamma-aminobutyric acid transaminase deficiency (GABATD). Also called: GABA aminotransaminase deficiency; GABA transaminase deficiency; Gamma aminobutyrate transaminase deficiency; 4 alpha aminobutyrate transaminase deficiency. Identifiers: Orphanet 2066, MedGen C0342708, MONDO:0013166, OMIM 613163.

Allele frequency attached by ClinVar (database versions not stated): gnomAD exomes below 0.00001; ExAC 0.00001.
gnomAD v4.1: 2 of 1,614,046 alleles (0.00012%); highest among the groups gnomAD compares: South Asian, 0.0011%; no homozygotes.

Submission:

Labcorp Genetics (formerly Invitae), Labcorp
Classification: Uncertain significance for Gamma-aminobutyric acid transaminase deficiency. Last evaluated: 2020-09-30. Review status: criteria provided, single submitter. Criteria: Invitae Variant Classification Sherloc (09022015). Collection method: clinical testing. Allele origin: germline.
Comment: This variant is present in population databases (rs757056947, ExAC 0.01%). In summary, the available evidence is currently insufficient to determine the role of this variant in disease. Therefore, it has been classified as a Variant of Uncertain Significance. Algorithms developed to predict the effect of sequence changes on RNA splicing suggest that this variant may create or strengthen a splice site, but this prediction has not been confirmed by published transcriptional studies. Algorithms developed to predict the effect of missense changes on protein structure and function (SIFT, PolyPhen-2, Align-GVGD) all suggest that this variant is likely to be disruptive, but these predictions have not been confirmed by published functional studies and their clinical significance is uncertain. This variant has not been reported in the literature in individuals with ABAT-related conditions. This sequence change replaces asparagine with serine at codon 168 of the ABAT protein (p.Asn168Ser). The asparagine residue is highly conserved and there is a small physicochemical difference between asparagine and serine.

NM_020686.6(ABAT):c.503A>G (p.Asn168Ser)

Gene: ABAT (4-aminobutyrate aminotransferase; plus strand). Cytogenetic location: 16p13.2.
Variant type: single nucleotide variant.
Coding change: c.503A>G on transcript NM_020686.6 (MANE Select); coding-DNA position 503, A replaced by G.
Protein change: p.Asn168Ser; replaces asparagine 168 with serine.
Molecular consequence: missense variant. On other transcripts: intron variant (1).
Genome position (GRCh38, 1-based): chr16:8,764,793, A>G. VCF-style: chr16-8764793-A-G. GRCh37 (hg19) VCF-style: chr16-8858650-A-G.
Other names: c.503A>G, p.Asn168Ser (NM_000663.5, NM_001127448.2, NM_001386600.1 and 9 more transcripts); c.368A>G, p.Asn123Ser (NM_001386610.1, NM_001386611.1, NM_001386612.1 and 1 more transcripts); c.257A>G, p.Asn86Ser (NM_001386614.1); c.599A>G, p.Asn200Ser (NM_001386615.1); c.447+644A>G (NM_001386608.1); short protein forms N123S, N168S, N200S, N86S.
Identifiers: ClinVar variation 1058493 (VCV001058493.9), dbSNP rs757056947, ClinGen allele CA7893155.